The following is an entry in ClinVar:

NM_030780.5(SLC25A32):c.357G>A (p.Glu119=)

Gene: SLC25A32 (solute carrier family 25 member 32; minus strand). Cytogenetic location: 8q22.3.
Variant type: single nucleotide variant.
Coding change: c.357G>A on transcript NM_030780.5 (MANE Select); coding-DNA position 357, G replaced by A.
Protein change: p.Glu119=; no amino-acid change (glutamic acid 119 retained).
Molecular consequence: synonymous variant. On other transcripts: non-coding transcript variant (1).
Genome position (GRCh38, 1-based): chr8:103,404,810, C>T on the plus strand (G>A on the coding strand, the complement: SLC25A32 is on the minus strand). VCF-style: chr8-103404810-C-T. GRCh37 (hg19) VCF-style: chr8-104417038-C-T.
Other names: c.357G>A (NM_030780.4).
Identifiers: ClinVar variation 2059209 (VCV002059209.5), dbSNP rs138193796, ClinGen allele CA4835503.
Genomic context (GRCh38, chr8:103,404,810, plus strand): 5'-TTTTTATATTTCACACATTGCCTTACCAGCTTCAGCAGCTGAGACAAGGTATTCTGTTGC[C>T]TCTAAACGTTCAGCTCTTCCTTCTGTTTTATATGACTTGATGGCATTGTAACTAAAAGAA-3'
Protein context (NP_110407.2, residues 109-129): YKTEGRAERL[Glu119=]ATEYLVSAAE

ClinVar aggregate classification (germline): Benign/Likely benign. Review status: criteria provided, multiple submitters, no conflicts (2 of 4 stars). 2 submissions from 2 submitters: Benign (1); Likely benign (1). Last evaluated 2026-04-15.

Conditions:
SLC25A32-related disorder. Also called: SLC25A32-related condition.

Allele frequency attached by ClinVar (database versions not stated): gnomAD exomes 0.00010; ExAC 0.00031; 1000 Genomes Project 30x 0.00047; 1000 Genomes Project 0.00060; gnomAD 0.00111; TOPMed 0.00114; ESP Exome Variant Server 0.00115.
gnomAD v4.1: 313 of 1,613,484 alleles (0.019%); highest among the groups gnomAD compares: African/African-American, 0.37%; no homozygotes.

Submissions (2):

PreventionGenetics, part of Exact Sciences
Classification: Likely benign for SLC25A32-related condition. Last evaluated: 2026-04-15. Review status: criteria provided, single submitter. Criteria: ACMG Guidelines, 2015. Collection method: clinical testing. Allele origin: germline.
Comment: This variant is classified as likely benign based on ACMG/AMP sequence variant interpretation guidelines (Richards et al. 2015 PMID: 25741868, with internal and published modifications).

Labcorp Genetics (formerly Invitae), Labcorp
Classification: Benign. Last evaluated: 2026-01-24. Review status: criteria provided, single submitter. Criteria: Invitae Variant Classification Sherloc (09022015). Collection method: clinical testing. Allele origin: germline.